The following is an entry in ClinVar:

NM_001089.3(ABCA3):c.1645G>A (p.Val549Ile)

Gene: ABCA3 (ATP binding cassette subfamily A member 3; minus strand). Cytogenetic location: 16p13.3.
Variant type: single nucleotide variant.
Coding change: c.1645G>A on transcript NM_001089.3 (MANE Select); coding-DNA position 1645, G replaced by A.
Protein change: p.Val549Ile; replaces valine 549 with isoleucine.
Molecular consequence: missense variant.
Genome position (GRCh38, 1-based): chr16:2,299,499, C>T on the plus strand (G>A on the coding strand, the complement: ABCA3 is on the minus strand). VCF-style: chr16-2299499-C-T. GRCh37 (hg19) VCF-style: chr16-2349500-C-T.
Other names: short protein forms V549I.
Identifiers: ClinVar variation 318504 (VCV000318504.5), dbSNP rs369048340, ClinGen allele CA7841151.

ClinVar aggregate classification (germline): Uncertain significance. Review status: criteria provided, multiple submitters, no conflicts (2 of 4 stars). 2 submissions from 2 submitters: Uncertain significance (2). Last evaluated 2022-09-29.

Conditions:
Interstitial lung disease due to ABCA3 deficiency. Also called: PULMONARY ALVEOLAR PROTEINOSIS, CONGENITAL, 3. Identifiers: Orphanet 440402, MedGen C1970456, MONDO:0012582, OMIM 610921.

Allele frequency attached by ClinVar (database versions not stated): gnomAD 0.00010 and 0.00009; ExAC 0.00006; gnomAD exomes 0.00006; TOPMed 0.00007; ESP Exome Variant Server 0.00008.
gnomAD v4.1: 110 of 1,613,660 alleles (0.0068%); highest among the groups gnomAD compares: Admixed American, 0.015%; no homozygotes.

Submissions (2):

GeneDx
Classification: Uncertain significance. Last evaluated: 2022-09-29. Review status: criteria provided, single submitter. Criteria: GeneDx Variant Classification Process June 2021. Collection method: clinical testing. Allele origin: germline. Affected: yes.
Comment: In silico analysis supports that this missense variant does not alter protein structure/function; Has not been previously published as pathogenic or benign to our knowledge

Illumina Laboratory Services, Illumina
Classification: Uncertain significance for Interstitial lung disease due to ABCA3 deficiency. Last evaluated: 2018-01-13. Review status: criteria provided, single submitter. Criteria: ICSL Variant Classification Criteria 13 December 2019. Collection method: clinical testing. Allele origin: germline.